The following is an entry in ClinVar:

NM_000097.7(CPOX):c.1133C>T (p.Thr378Ile)

Gene: CPOX (coproporphyrinogen oxidase; minus strand). Cytogenetic location: 3q11.2.
Variant type: single nucleotide variant.
Coding change: c.1133C>T on transcript NM_000097.7 (MANE Select); coding-DNA position 1133, C replaced by T.
Protein change: p.Thr378Ile; replaces threonine 378 with isoleucine.
Molecular consequence: missense variant.
Genome position (GRCh38, 1-based): chr3:98,585,480, G>A on the plus strand (C>T on the coding strand, the complement: CPOX is on the minus strand). VCF-style: chr3-98585480-G-A. GRCh37 (hg19) VCF-style: chr3-98304324-G-A.
Other names: short protein forms T378I.
Identifiers: ClinVar variation 1691675 (VCV001691675.4), dbSNP rs2107120148, ClinGen allele CA353644870.
Genomic context (GRCh38, chr3:98,585,480, plus strand): 5'-ATTCGTTTTCCAGTCACTTACCGTCCTCTTCTGAGCTGCTGCCACAGCTTCTCCTGGGGG[G>A]TGAATGAGTCATCACAGTGCTTTTTCACAAGGGGAATGTAAGAAGGAACTACAGCCCTGG-3'
Protein context (NP_000088.3, residues 368-388): LVKKHCDDSF[Thr378Ile]PQEKLWQQLR

ClinVar aggregate classification (germline): Uncertain significance (1 of 4 stars; one submission).

Submission:

GeneDx
Classification: Uncertain significance. Last evaluated: 2025-04-11. Review status: criteria provided, single submitter. Criteria: GeneDx Variant Classification Process June 2021. Collection method: clinical testing. Allele origin: germline. Affected: yes.
Comment: Not observed at significant frequency in large population cohorts (gnomAD); In silico analysis supports that this missense variant has a deleterious effect on protein structure/function; Has not been previously published as pathogenic or benign to our knowledge